The following is an entry in ClinVar:

ClinVar aggregate classification (germline): Uncertain significance (1 of 4 stars; one submission).

Allele frequency attached by ClinVar (database versions not stated): ExAC 0.00001; TOPMed 0.00002; gnomAD 0.00003.
gnomAD v4.1: 57 of 1,480,588 alleles (0.0038%); highest among the groups gnomAD compares: South Asian, 0.007%; no homozygotes.

Submission:

Labcorp Genetics (formerly Invitae), Labcorp
Classification: Uncertain significance. Last evaluated: 2023-05-15. Review status: criteria provided, single submitter. Criteria: Invitae Variant Classification Sherloc (09022015). Collection method: clinical testing. Allele origin: germline.
Comment: This sequence change falls in intron 7 of the SPPL2A gene. It does not directly change the encoded amino acid sequence of the SPPL2A protein. It affects a nucleotide within the consensus splice site. This variant is present in population databases (rs768114905, gnomAD 0.004%). This variant has not been reported in the literature in individuals affected with SPPL2A-related conditions. ClinVar contains an entry for this variant (Variation ID: 1936218). Variants that disrupt the consensus splice site are a relatively common cause of aberrant splicing (PMID: 17576681, 9536098). Algorithms developed to predict the effect of sequence changes on RNA splicing suggest that this variant is not likely to affect RNA splicing. In summary, the available evidence is currently insufficient to determine the role of this variant in disease. Therefore, it has been classified as a Variant of Uncertain Significance.

Literature cited by the submitters: PubMed 17576681; PubMed 9536098.

NM_032802.4(SPPL2A):c.830+4C>T

Gene: SPPL2A (signal peptide peptidase like 2A; minus strand). Cytogenetic location: 15q21.2.
Variant type: single nucleotide variant.
Coding change: c.830+4C>T on transcript NM_032802.4 (MANE Select); 4 bases into the intron after coding-DNA position 830, C replaced by T.
Molecular consequence: intron variant.
Genome position (GRCh38, 1-based): chr15:50,736,640, G>A on the plus strand (C>T on the coding strand, the complement: SPPL2A is on the minus strand). VCF-style: chr15-50736640-G-A. GRCh37 (hg19) VCF-style: chr15-51028837-G-A.
Identifiers: ClinVar variation 1936218 (VCV001936218.5), dbSNP rs768114905, ClinGen allele CA7558407.